The following is an entry in ClinVar:

NC_000015.9:g.(68504202_68506627)_(68522067_?)dup

Gene: CLN6 (CLN6 transmembrane ER protein; minus strand). Cytogenetic location: 15q23.
Variant type: Duplication.
Identifiers: ClinVar variation 3375140 (VCV003375140.1).

ClinVar aggregate classification (germline): Uncertain significance (1 of 4 stars; one submission).

Submission:

Women's Health and Genetics/Laboratory Corporation of America, LabCorp
Classification: Uncertain significance. Last evaluated: 2024-09-27. Review status: criteria provided, single submitter. Criteria: LabCorp Variant Classification Summary - May 2015. Collection method: clinical testing. Allele origin: germline.
Comment: Variant summary: The variant involves the duplication of exons 1-3 in the CLN6 gene. A presumed nomenclature of c.(?_-145)_(297+1_298-1)dup has been designated for the purposes of this classification. The exact breakpoint at the 5' end of this variant is unknown, therefore this duplication may extend upstream of the annotated region of this gene. It is predicted to duplicate a segment including the initiation codon, therefore its impact on the encoded protein is unknown. It is assumed to be a tandem duplication in direct orientation (PMIDs: 25640679, 30054569). The variant was absent in 21692 control chromosomes. The available data on variant occurrences in the general population are insufficient to allow any conclusion about variant significance. To our knowledge, no occurrence of c.(?_-145)_(297+1_298-1)dup in individuals affected with Neuronal Ceroid-Lipofuscinosis (Batten Disease) and no experimental evidence demonstrating its impact on protein function have been reported. No submitters have cited clinical-significance assessments for this variant to ClinVar. Based on the evidence outlined above, the variant was classified as uncertain significance.